The following is an entry in ClinVar:

NM_001278116.2(L1CAM):c.1219C>T (p.Arg407Cys)

Gene: L1CAM (L1 cell adhesion molecule; minus strand). Cytogenetic location: Xq28.
Variant type: single nucleotide variant.
Coding change: c.1219C>T on transcript NM_001278116.2 (MANE Select); coding-DNA position 1219, C replaced by T.
Protein change: p.Arg407Cys; replaces arginine 407 with cysteine.
Molecular consequence: missense variant.
Genome position (GRCh38, 1-based): chrX:153,869,568, G>A on the plus strand (C>T on the coding strand, the complement: L1CAM is on the minus strand). VCF-style: chrX-153869568-G-A. GRCh37 (hg19) VCF-style: chrX-153135023-G-A.
Other names: c.1219C>T, p.Arg407Cys (NM_000425.5, NM_024003.3); c.1204C>T, p.Arg402Cys (NM_001143963.2); c.1219C>T (NM_000425.3); short protein forms R407C, R402C.
Identifiers: ClinVar variation 568459 (VCV000568459.13), dbSNP rs782756293, ClinGen allele CA10554410.

ClinVar aggregate classification (germline): Conflicting classifications of pathogenicity. Review status: criteria provided, conflicting classifications (1 of 4 stars). 3 submissions from 3 submitters: Uncertain significance (1); Likely benign (1). 1 of the submissions does not count toward it. Last evaluated 2025-10-18.

Conditions:
Spastic paraplegia. Identifiers: MedGen C0037772, HP:0001258.
L1CAM-related disorder. Also called: L1CAM-related condition.

Allele frequency attached by ClinVar (database versions not stated): gnomAD exomes 0.00002; TOPMed 0.00003; ExAC 0.00004.

Submissions (3):

Labcorp Genetics (formerly Invitae), Labcorp
Classification: Likely benign for Spastic paraplegia. Last evaluated: 2025-10-18. Review status: criteria provided, single submitter. Criteria: Invitae Variant Classification Sherloc (09022015). Collection method: clinical testing. Allele origin: germline.

GeneDx
Classification: Uncertain significance. Last evaluated: 2023-11-30. Review status: criteria provided, single submitter. Criteria: GeneDx Variant Classification Process June 2021. Collection method: clinical testing. Allele origin: germline. Affected: yes.
Comment: In silico analysis supports that this missense variant does not alter protein structure/function; Has not been previously published as pathogenic or benign to our knowledge; This variant is associated with the following publications: (PMID: 25641508)

PreventionGenetics, part of Exact Sciences
Classification: Likely benign for L1CAM-related condition. Last evaluated: 2023-08-02. Review status: no assertion criteria provided. Collection method: clinical testing. Allele origin: germline. Not counted in ClinVar's aggregate classification.
Comment: This variant is classified as likely benign based on ACMG/AMP sequence variant interpretation guidelines (Richards et al. 2015 PMID: 25741868, with internal and published modifications).